The following is an entry in ClinVar:

ClinVar aggregate classification (germline): Uncertain significance (1 of 4 stars; one submission).

gnomAD v4.1: 3 of 1,613,778 alleles (0.00019%); highest among the groups gnomAD compares: South Asian, 0.0033%; 1 homozygote.

Submission:

Labcorp Genetics (formerly Invitae), Labcorp
Classification: Uncertain significance. Last evaluated: 2025-11-12. Review status: criteria provided, single submitter. Criteria: Invitae Variant Classification Sherloc (09022015). Collection method: clinical testing. Allele origin: germline.
Comment: This sequence change replaces glycine, which is neutral and non-polar, with aspartic acid, which is acidic and polar, at codon 81 of the OPA1 protein (p.Gly81Asp). This variant is not present in population databases (gnomAD no frequency). This variant has not been reported in the literature in individuals affected with OPA1-related conditions. ClinVar contains an entry for this variant (Variation ID: 3658449). Invitae Evidence Modeling of protein sequence and biophysical properties (such as structural, functional, and spatial information, amino acid conservation, physicochemical variation, residue mobility, and thermodynamic stability) indicates that this missense variant is not expected to disrupt OPA1 protein function with a negative predictive value of 80%. In summary, the available evidence is currently insufficient to determine the role of this variant in disease. Therefore, it has been classified as a Variant of Uncertain Significance.

NM_130837.3(OPA1):c.242G>A (p.Gly81Asp)

Gene: OPA1 (OPA1 mitochondrial dynamin like GTPase; plus strand). Cytogenetic location: 3q29.
Variant type: single nucleotide variant.
Coding change: c.242G>A on transcript NM_130837.3 (MANE Select); coding-DNA position 242, G replaced by A.
Protein change: p.Gly81Asp; replaces glycine 81 with aspartic acid.
Molecular consequence: missense variant. On other transcripts: 5 prime UTR variant (2).
Genome position (GRCh38, 1-based): chr3:193,614,932, G>A. VCF-style: chr3-193614932-G-A. GRCh37 (hg19) VCF-style: chr3-193332721-G-A.
Other names: c.-131G>A (NM_001354663.2, NM_001354664.2); c.242G>A, p.Gly81Asp (NM_015560.3, NM_130831.3, NM_130832.3 and 4 more transcripts); short protein forms G81D.
Identifiers: ClinVar variation 3658449 (VCV003658449.2).